The following is an entry in ClinVar:

ClinVar aggregate classification (germline): Benign. Review status: criteria provided, multiple submitters, no conflicts (2 of 4 stars). 9 submissions from 5 submitters: Benign (8). 1 of the submissions does not count toward it. Last evaluated 2026-01-26.

Conditions:
Acromesomelic dysplasia 2B. Also called: DU PAN SYNDROME. Identifiers: Orphanet 2639, MedGen C1856738, MONDO:0009231, OMIM 228900.
Multiple synostoses syndrome 2 (SYNS2). Identifiers: Orphanet 3237, MedGen C1832708, MONDO:0012394, OMIM 610017.
Grebe syndrome. Also called: GREBE DYSPLASIA; ACROMESOMELIC DYSPLASIA 2A; ACROMESOMELIC DYSPLASIA, GREBE TYPE. Identifiers: Orphanet 2098, MedGen C0265260, MONDO:0008703, OMIM 200700.
Acromesomelic dysplasia 2C, Hunter-Thompson type. Also called: Acromesomelic dysplasia, Hunter-Thompson type. Identifiers: Orphanet 968, MedGen C2930970, MONDO:0008717, OMIM 201250.
Osteoarthritis susceptibility 5 (OS5). Identifiers: MedGen C4759728, MONDO:0012893, OMIM 612400.
Brachydactyly. Also called: Brachydactyly (disease); Brachydactyly syndrome. Identifiers: MedGen C0221357, MONDO:0021004, HP:0001156.

Allele frequency attached by ClinVar (database versions not stated): gnomAD exomes 0.40858 and 1.00000; gnomAD 0.52412 and 0.53070; TOPMed 0.52708; 1000 Genomes Project 30x 0.55247.

Submissions (9):

Labcorp Genetics (formerly Invitae), Labcorp
Classification: Benign. Last evaluated: 2026-01-26. Review status: criteria provided, single submitter. Criteria: Invitae Variant Classification Sherloc (09022015). Collection method: clinical testing. Allele origin: germline.

GeneDx
Classification: Benign. Last evaluated: 2018-11-12. Review status: criteria provided, single submitter. Criteria: GeneDx Variant Classification Process June 2021. Collection method: clinical testing. Allele origin: germline. Affected: yes.
Comment: This variant is associated with the following publications: (PMID: 22905146, 23825960, 17384641, 24861163, 18299287, 17616513, 18947434, 19565498, 19479880)

Illumina Laboratory Services, Illumina
Classification: Benign for Fibular hypoplasia and complex brachydactyly. Last evaluated: 2018-03-06. Review status: criteria provided, single submitter. Criteria: ICSL Variant Classification Criteria 13 December 2019. Collection method: clinical testing. Allele origin: germline.
Comment: This variant was observed in the ICSL laboratory as part of a predisposition screen in an ostensibly healthy population. It had not been previously curated by ICSL or reported in the Human Gene Mutation Database (HGMD: prior to June 1st, 2018), and was therefore a candidate for classification through an automated scoring system. Utilizing variant allele frequency, disease prevalence and penetrance estimates, and inheritance mode, an automated score was calculated to assess if this variant is too frequent to cause the disease. Based on the score and internal cut-off values, a variant classified as benign is not then subjected to further curation. The score for this variant resulted in a classification of benign for this disease.

Illumina Laboratory Services, Illumina
Classification: Benign for Acromesomelic dysplasia 2C, Hunter-Thompson type. Last evaluated: 2018-03-06. Review status: criteria provided, single submitter. Criteria: ICSL Variant Classification Criteria 13 December 2019. Collection method: clinical testing. Allele origin: germline.
Comment: the same text as in the submission from Illumina Laboratory Services, Illumina above.

Illumina Laboratory Services, Illumina
Classification: Benign for Brachydactyly. Last evaluated: 2018-03-06. Review status: criteria provided, single submitter. Criteria: ICSL Variant Classification Criteria 13 December 2019. Collection method: clinical testing. Allele origin: germline.
Comment: the same text as in the submission from Illumina Laboratory Services, Illumina above.

Illumina Laboratory Services, Illumina
Classification: Benign for Grebe syndrome. Last evaluated: 2018-03-06. Review status: criteria provided, single submitter. Criteria: ICSL Variant Classification Criteria 13 December 2019. Collection method: clinical testing. Allele origin: germline.
Comment: the same text as in the submission from Illumina Laboratory Services, Illumina above.

Illumina Laboratory Services, Illumina
Classification: Benign for Multiple synostoses syndrome 2. Last evaluated: 2018-03-06. Review status: criteria provided, single submitter. Criteria: ICSL Variant Classification Criteria 13 December 2019. Collection method: clinical testing. Allele origin: germline.
Comment: the same text as in the submission from Illumina Laboratory Services, Illumina above.

Breakthrough Genomics
Classification: Benign. Review status: criteria provided, single submitter. Criteria: ACMG Guidelines, 2015. Collection method: not provided. Allele origin: germline. Inheritance: Autosomal recessive inheritance. Affected: yes.

OMIM
Classification: risk factor for OSTEOARTHRITIS SUSCEPTIBILITY 5. Last evaluated: 2007-04-01. Review status: no assertion criteria provided. Collection method: literature only. Allele origin: germline. Not counted in ClinVar's aggregate classification.

Literature cited by the submitters: PubMed 17384641 (cited by OMIM).

NM_000557.5(GDF5):c.-275=

Genes: GDF5 (growth differentiation factor 5; minus strand), LOC109461476 (GDF5 promoter region; plus strand). Cytogenetic location: 20q11.22.
Variant type: single nucleotide variant.
Coding change: c.-275= on transcript NM_000557.5 (MANE Select); 275 bases upstream of the start codon, no change from the reference sequence.
Molecular consequence: no sequence alteration. On other transcripts: intron variant (1).
Genome position: GRCh38 VCF-style: chr20-35438203-G-G. GRCh37 (hg19) VCF-style: chr20-34025983-A-G.
Other names: +104T/C (rs143383); c.-241-34= (NM_001319138.2).
Identifiers: ClinVar variation 8390 (VCV000008390.14), dbSNP rs143383.